The following is an entry in ClinVar:

NC_000021.9:g.43402567del

Gene: SIK1 (salt inducible kinase 1; minus strand). Cytogenetic location: 21q22.3.
Variant type: Deletion.
Genome position: GRCh38 VCF-style: chr21-43402564-CG-C. GRCh37 (hg19) VCF-style: chr21-44822444-CG-C.
Identifiers: ClinVar variation 2652716 (VCV002652716.24), dbSNP rs11352104, ClinGen allele CA321319869.

ClinVar aggregate classification (germline): Likely benign (1 of 4 stars; one submission).

Submission:

CeGaT Center for Human Genetics Tuebingen
Classification: Likely benign. Last evaluated: 2023-01-01. Review status: criteria provided, single submitter. Criteria: CeGaT Center For Human Genetics Tuebingen Variant Classification Criteria Version 2. Collection method: clinical testing. Allele origin: germline. Affected: yes. Observed: 1 variant allele.
Comment: SIK1: BS1